The following is an entry in ClinVar:

ClinVar aggregate classification (germline): Likely pathogenic (1 of 4 stars; one submission).

Conditions:
SLC10A1-related disorder. Also called: SLC10A1-related condition.

Allele frequency attached by ClinVar (database versions not stated): ExAC 0.00001; TOPMed 0.00001.
gnomAD v4.1: 13 of 1,605,874 alleles (0.00081%); highest among the groups gnomAD compares: Non-Finnish European, 0.0011%; no homozygotes.

Submission:

PreventionGenetics, part of Exact Sciences
Classification: Likely pathogenic for SLC10A1-related condition. Last evaluated: 2025-12-11. Review status: criteria provided, single submitter. Criteria: ACMG Guidelines, 2015. Collection method: clinical testing. Allele origin: germline.
Comment: The SLC10A1 c.4G>T variant is predicted to result in premature protein termination (p.Glu2*). To our knowledge, this variant has not been reported in the literature. This variant is reported in 0.0019% of alleles in individuals of European (Non-Finnish) descent in gnomAD. Nonsense variants in SLC10A1 are expected to be pathogenic. This variant is interpreted as likely pathogenic.

NM_003049.4(SLC10A1):c.4G>T (p.Glu2Ter)

Gene: SLC10A1 (solute carrier family 10 member 1; minus strand). Cytogenetic location: 14q24.1.
Variant type: single nucleotide variant.
Coding change: c.4G>T on transcript NM_003049.4 (MANE Select); coding-DNA position 4, G replaced by T.
Protein change: p.Glu2Ter; replaces glutamic acid 2 with a stop codon.
Molecular consequence: nonsense.
Genome position (GRCh38, 1-based): chr14:69,797,152, C>A on the plus strand (G>T on the coding strand, the complement: SLC10A1 is on the minus strand). VCF-style: chr14-69797152-C-A. GRCh37 (hg19) VCF-style: chr14-70263869-C-A.
Other names: short protein forms E2*.
Identifiers: ClinVar variation 2636312 (VCV002636312.2), dbSNP rs757442230, ClinGen allele CA7246308.